The following is an entry in ClinVar:

ClinVar aggregate classification (germline): Uncertain significance (1 of 4 stars; one submission).

Conditions:
Ehlers-Danlos syndrome, type 4 (EDSVASC). Also called: Ehlers-Danlos syndrome vascular type; Ehlers Danlos syndrome, ecchymotic type; Ehlers Danlos syndrome, arterial type; Ehlers Danlos syndrome, Sack-Barabas type; Ehlers-Danlos Syndrome Type IV. Identifiers: Orphanet 286, MedGen C0268338, MONDO:0017314, OMIM 130050.

Submission:

All of Us Research Program, National Institutes of Health
Classification: Uncertain significance for Ehlers-Danlos syndrome, type 4. Last evaluated: 2024-06-09. Review status: criteria provided, single submitter. Criteria: ACMG Guidelines, 2015. Collection method: clinical testing. Allele origin: germline. Inheritance: Autosomal dominant inheritance. Observed: 1 variant allele, 1 heterozygote.
Comment: This variant causes a T to C nucleotide substitution in the 5' untranslated region of the COL3A1 gene. To our knowledge, functional studies have not been reported for this variant. This variant has not been reported in individuals affected with COL3A1-related disorders in the literature. This variant has not been identified in the general population by the Genome Aggregation Database (gnomAD). The available evidence is insufficient to determine the role of this variant in disease conclusively. Therefore, this variant is classified as a Variant of Uncertain Significance.

This study involves interpretation of variants in research participants for the purpose of population health screening. Participant phenotype was not available at the time of variant classification. Additional details can be found in publication PMID: 35346344, PMCID: PMC8962531

NM_000090.4(COL3A1):c.-6T>C

Gene: COL3A1 (collagen type III alpha 1 chain; plus strand). Cytogenetic location: 2q32.2.
Variant type: single nucleotide variant.
Coding change: c.-6T>C on transcript NM_000090.4 (MANE Select); 6 bases upstream of the start codon, T replaced by C.
Molecular consequence: 5 prime UTR variant.
Genome position (GRCh38, 1-based): chr2:188,974,484, T>C. VCF-style: chr2-188974484-T-C. GRCh37 (hg19) VCF-style: chr2-189839210-T-C.
Identifiers: ClinVar variation 3386421 (VCV003386421.1).
Genomic context (GRCh38, chr2:188,974,484, plus strand): 5'-GTGCTACTTTGAACTGCTTTTCTTTTCTCCTTTTTGCACAAAGAGTCTCATGTCTGATAT[T>C]TAGACATGATGAGCTTTGTGCAAAAGGGGAGCTGGCTACTTCTCGCTCTGCTTCATCCCA-3'